The following is an entry in ClinVar:

ClinVar aggregate classification (germline): Pathogenic (1 of 4 stars; one submission).

Conditions:
Intellectual developmental disorder, autosomal dominant 55, with seizures. Also called: MENTAL RETARDATION, AUTOSOMAL DOMINANT 55, WITH SEIZURES; Intellectual disability, autosomal dominant 55, with seizures. Identifiers: MedGen C4693371, MONDO:0030921, OMIM 617831.

Submission:

Department of Neurology, Zibo Changguo Hospital
Classification: Pathogenic for Intellectual developmental disorder, autosomal dominant 55, with seizures. Last evaluated: 2025-01-09. Review status: criteria provided, single submitter. Criteria: ACMG Guidelines, 2015. Collection method: clinical testing. Allele origin: de novo. Inheritance: Autosomal dominant inheritance. Affected: yes.
Comment: PVS1, PM6, PM2_Supporting

NM_138459.5(NUS1):c.279del (p.Leu94fs)

Gene: NUS1 (NUS1 dehydrodolichyl diphosphate synthase subunit; plus strand). Cytogenetic location: 6q22.1.
Variant type: Deletion.
Coding change: c.279del on transcript NM_138459.5 (MANE Select); coding-DNA position 279, one base deleted (C; older notation c.279delC).
Protein change: p.Leu94fs; shifts the reading frame from leucine 94.
Molecular consequence: frameshift variant.
Genome position (GRCh38, 1-based): chr6:117,675,949, C deleted; the last of 2 consecutive C bases (chr6:117,675,948-117,675,949); deleting either gives the same sequence. VCF-style (leftmost placement, unchanged base first): chr6-117675947-TC-T. GRCh37 (hg19) VCF-style: chr6-117997110-TC-T.
Other names: short protein forms L94fs.
Identifiers: ClinVar variation 3770205 (VCV003770205.1).
Genomic context (GRCh38, chr6:117,675,947, plus strand): 5'-CGCGGGGGGTCGTGCCTGGCAGCCGCACACCACCGGATGCGCTGGCGCGCGGACGGTCGT[TC>T]CTTGGAGAAGCTGCCTGTGCATATGGGCCTGGTGATCACCGAGGTGGAGCAGGAACCCAG-3'